The following is an entry in ClinVar:

ClinVar aggregate classification (germline): Pathogenic/Likely pathogenic. Review status: criteria provided, multiple submitters, no conflicts (2 of 4 stars). 2 submissions from 2 submitters: Pathogenic (1); Likely pathogenic (1). Last evaluated 2025-08-15.

Conditions:
Autosomal dominant hypocalcemia 1 (HYPOC1). Also called: HYPOCALCEMIA, FAMILIAL. Identifiers: MedGen C3715128, MONDO:0011013, OMIM 601198.
Familial hypocalciuric hypercalcemia (FHH). Also called: Familial benign hypercalcemia. Identifiers: Orphanet 405, MedGen C1809471, MONDO:0018458.
Neonatal severe primary hyperparathyroidism. Identifiers: Orphanet 417, MedGen C1832615, MONDO:0009397, OMIM 239200.
Familial hypocalciuric hypercalcemia 1. Also called: Hypercalcemia, familial benign type 1. Identifiers: Orphanet 405, Orphanet 93372, MedGen C0342637, MONDO:0007791, OMIM 145980.
Epilepsy, idiopathic generalized, susceptibility to, 8. Identifiers: MedGen C2752062, MONDO:0013032, OMIM 612899.

Submissions (2):

Labcorp Genetics (formerly Invitae), Labcorp
Classification: Likely pathogenic for Familial hypocalciuric hypercalcemia; Autosomal dominant hypocalcemia 1. Last evaluated: 2025-08-15. Review status: criteria provided, single submitter. Criteria: Invitae Variant Classification Sherloc (09022015). Collection method: clinical testing. Allele origin: germline.
Comment: This sequence change replaces phenylalanine, which is neutral and non-polar, with serine, which is neutral and polar, at codon 832 of the CASR protein (p.Phe832Ser). This variant is not present in population databases (gnomAD no frequency). This missense change has been observed in individuals with autosomal dominant hypocalcemia (PMID: 24823460, 24948345, 25765207, 33112267). ClinVar contains an entry for this variant (Variation ID: 1475268). An algorithm developed to predict the effect of missense changes on protein structure and function (PolyPhen-2) suggests that this variant is likely to be disruptive. Experimental studies have shown that this missense change affects CASR function (PMID: 15591042, 22798347, 23372019). In summary, the currently available evidence indicates that the variant is pathogenic, but additional data are needed to prove that conclusively. Therefore, this variant has been classified as Likely Pathogenic.

Fulgent Genetics
Classification: Pathogenic for Familial hypocalciuric hypercalcemia 1; Neonatal severe primary hyperparathyroidism; Autosomal dominant hypocalcemia 1; Epilepsy, idiopathic generalized, susceptibility to, 8. Last evaluated: 2024-03-08. Review status: criteria provided, single submitter. Criteria: ACMG Guidelines, 2015. Collection method: clinical testing. Allele origin: germline.

Literature cited by the submitters: PubMed 24823460 (cited by Labcorp Genetics (formerly Invitae), Labcorp); PubMed 24948345 (cited by Labcorp Genetics (formerly Invitae), Labcorp); PubMed 25765207 (cited by Labcorp Genetics (formerly Invitae), Labcorp); PubMed 33112267 (cited by Labcorp Genetics (formerly Invitae), Labcorp); PubMed 15591042 (cited by Labcorp Genetics (formerly Invitae), Labcorp); PubMed 22798347 (cited by Labcorp Genetics (formerly Invitae), Labcorp); PubMed 23372019 (cited by Labcorp Genetics (formerly Invitae), Labcorp).

NM_000388.4(CASR):c.2495T>C (p.Phe832Ser)

Gene: CASR (calcium sensing receptor; plus strand). Cytogenetic location: 3q21.1.
Variant type: single nucleotide variant.
Coding change: c.2495T>C on transcript NM_000388.4 (MANE Select); coding-DNA position 2495, T replaced by C.
Protein change: p.Phe832Ser; replaces phenylalanine 832 with serine.
Molecular consequence: missense variant.
Genome position (GRCh38, 1-based): chr3:122,284,449, T>C. VCF-style: chr3-122284449-T-C. GRCh37 (hg19) VCF-style: chr3-122003296-T-C.
Other names: c.2525T>C, p.Phe842Ser (NM_001178065.2); short protein forms F842S, F832S.
Identifiers: ClinVar variation 1475268 (VCV001475268.9), dbSNP rs2107650603, ClinGen allele CA354160076.